The following is an entry in ClinVar:

ClinVar aggregate classification (germline): Uncertain significance. Review status: criteria provided, multiple submitters, no conflicts (2 of 4 stars). 2 submissions from 2 submitters: Uncertain significance (2). Last evaluated 2025-10-13.

Conditions:
Cardiovascular phenotype. Identifiers: MedGen CN230736.
Dilated cardiomyopathy 1JJ (CMD1JJ). Identifiers: Orphanet 154, MedGen C3808935, MONDO:0014095, OMIM 615235.

gnomAD v4.1: 10 of 1,607,378 alleles (0.00062%); no homozygotes.

Submissions (2):

Labcorp Genetics (formerly Invitae), Labcorp
Classification: Uncertain significance for Dilated cardiomyopathy 1JJ. Last evaluated: 2025-10-13. Review status: criteria provided, single submitter. Criteria: Invitae Variant Classification Sherloc (09022015). Collection method: clinical testing. Allele origin: germline.
Comment: This sequence change replaces alanine, which is neutral and non-polar, with valine, which is neutral and non-polar, at codon 674 of the LAMA4 protein (p.Ala674Val). This variant is present in population databases (no rsID available, gnomAD 0.01%). This variant has not been reported in the literature in individuals affected with LAMA4-related conditions. ClinVar contains an entry for this variant (Variation ID: 3289930). Invitae Evidence Modeling of protein sequence and biophysical properties (such as structural, functional, and spatial information, amino acid conservation, physicochemical variation, residue mobility, and thermodynamic stability) indicates that this missense variant is not expected to disrupt LAMA4 protein function with a negative predictive value of 80%. In summary, the available evidence is currently insufficient to determine the role of this variant in disease. Therefore, it has been classified as a Variant of Uncertain Significance.

Ambry Genetics
Classification: Uncertain significance for Cardiovascular phenotype. Last evaluated: 2024-03-16. Review status: criteria provided, single submitter. Criteria: Ambry Variant Classification Scheme 2023. Collection method: clinical testing. Allele origin: germline.
Comment: The p.A674V variant (also known as c.2021C>T), located in coding exon 15 of the LAMA4 gene, results from a C to T substitution at nucleotide position 2021. The alanine at codon 674 is replaced by valine, an amino acid with similar properties. This amino acid position is conserved. In addition, this alteration is predicted to be tolerated by in silico analysis. Based on the available evidence, the clinical significance of this alteration remains unclear.

NM_001105206.3(LAMA4):c.2042C>T (p.Ala681Val)

Gene: LAMA4 (laminin subunit alpha 4; minus strand). Cytogenetic location: 6q21.
Variant type: single nucleotide variant.
Coding change: c.2042C>T on transcript NM_001105206.3 (MANE Select); coding-DNA position 2042, C replaced by T.
Protein change: p.Ala681Val; replaces alanine 681 with valine.
Molecular consequence: missense variant.
Genome position (GRCh38, 1-based): chr6:112,154,865, G>A on the plus strand (C>T on the coding strand, the complement: LAMA4 is on the minus strand). VCF-style: chr6-112154865-G-A. GRCh37 (hg19) VCF-style: chr6-112476067-G-A.
Other names: c.2021C>T, p.Ala674Val (NM_001105207.3, NM_002290.5); short protein forms A681V, A674V.
Identifiers: ClinVar variation 3289930 (VCV003289930.3).